The following is an entry in ClinVar:

ClinVar aggregate classification (germline): Uncertain significance (1 of 4 stars; one submission).

Conditions:
Familial sleep-related hypermotor epilepsy. Also called: Autosomal Dominant Sleep-Related Hypermotor (Hyperkinetic) Epilepsy. Identifiers: Orphanet 98784, MedGen C3696898, MONDO:0000030.

Allele frequency attached by ClinVar (database versions not stated): gnomAD 0.00001; TOPMed below 0.00001.
gnomAD v4.1: 2 of 1,600,824 alleles (0.00012%); highest among the groups gnomAD compares: South Asian, 0.0011%; no homozygotes.

Submission:

Labcorp Genetics (formerly Invitae), Labcorp
Classification: Uncertain significance. Last evaluated: 2020-02-24. Review status: criteria provided, single submitter. Criteria: Invitae Variant Classification Sherloc (09022015). Collection method: clinical testing. Allele origin: germline.
Comment: This sequence change replaces aspartic acid with asparagine at codon 77 of the CHRNA4 protein (p.Asp77Asn). The aspartic acid residue is moderately conserved and there is a small physicochemical difference between aspartic acid and asparagine. In summary, the available evidence is currently insufficient to determine the role of this variant in disease. Therefore, it has been classified as a Variant of Uncertain Significance. Algorithms developed to predict the effect of sequence changes on RNA splicing suggest that this variant may disrupt the consensus splice site, but this prediction has not been confirmed by published transcriptional studies. Algorithms developed to predict the effect of missense changes on protein structure and function are either unavailable or do not agree on the potential impact of this missense change (SIFT: "Tolerated"; PolyPhen-2: "Possibly Damaging"; Align-GVGD: "Class C0"). This variant has been observed in one or more individuals who were not affected with epilepsy (Invitae). This variant is not present in population databases (ExAC no frequency).

NM_000744.7(CHRNA4):c.229G>A (p.Asp77Asn)

Genes: CHRNA4 (cholinergic receptor nicotinic alpha 4 subunit; minus strand), LOC126863087 (P300/CBP strongly-dependent group 1 enhancer GRCh37_chr20:61986832-61988031; plus strand). Cytogenetic location: 20q13.33.
Variant type: single nucleotide variant.
Coding change: c.229G>A on transcript NM_000744.7 (MANE Select); coding-DNA position 229, G replaced by A.
Protein change: p.Asp77Asn; replaces aspartic acid 77 with asparagine.
Molecular consequence: missense variant. On other transcripts: 5 prime UTR variant (1), non-coding transcript variant (1).
Genome position (GRCh38, 1-based): chr20:63,356,415, C>T on the plus strand (G>A on the coding strand, the complement: CHRNA4 is on the minus strand). VCF-style: chr20-63356415-C-T. GRCh37 (hg19) VCF-style: chr20-61987767-C-T.
Other names: c.-318G>A (NM_001256573.2); short protein forms D77N.
Identifiers: ClinVar variation 570989 (VCV000570989.10), dbSNP rs1204737071, ClinGen allele CA409641533.